The following is an entry in ClinVar:

ClinVar aggregate classification (germline): Benign (1 of 4 stars; one submission).

Conditions:
Familial cancer of breast. Also called: hereditary breast carcinoma; BREAST CANCER, FAMILIAL; Hereditary breast cancer. Identifiers: Orphanet 227535, MedGen C0346153, MONDO:0016419, OMIM 114480. Disease mechanism: loss of function.

Submission:

Myriad Genetics, Inc.
Classification: Benign for Familial cancer of breast. Last evaluated: 2024-05-24. Review status: criteria provided, single submitter. Criteria: Myriad Autosomal Dominant, Autosomal Recessive and X-Linked Classification Criteria (2023). Collection method: clinical testing. Allele origin: unknown.
Comment: This variant is considered benign. This variant is a silent/synonymous amino acid change and it is not expected to impact splicing.

NM_000051.4(ATM):c.5874A>C (p.Ala1958=)

Genes: ATM (ATM serine/threonine kinase; plus strand), C11orf65 (chromosome 11 open reading frame 65; minus strand). Cytogenetic location: 11q22.3.
Variant type: single nucleotide variant.
Coding change: c.5874A>C on transcript NM_000051.4 (MANE Select); coding-DNA position 5874, A replaced by C.
Protein change: p.Ala1958=; no amino-acid change (alanine 1958 retained).
Molecular consequence: synonymous variant. On other transcripts: intron variant (2).
Genome position (GRCh38, 1-based): chr11:108,310,271, A>C. VCF-style: chr11-108310271-A-C. GRCh37 (hg19) VCF-style: chr11-108180998-A-C.
Other names: c.5874A>C, p.Ala1958= (NM_001351834.2); c.641-1200T>G (NM_001330368.2); c.*39-1200T>G (NM_001351110.2).
Identifiers: ClinVar variation 3254263 (VCV003254263.1), dbSNP rs1591746375.